The following is an entry in ClinVar:

ClinVar aggregate classification (germline): Uncertain significance. Review status: criteria provided, single submitter (1 of 4 stars). 2 submissions from 2 submitters: Uncertain significance (1). 1 of the submissions does not count toward it. Last evaluated 2022-08-16.

Conditions:
Glycogen storage disease, type II (IOPD). Also called: Glucosidase acid-1,4-alpha deficiency; GSD II; Glycogen storage disease type 2; Acid maltase deficiency disease; Aglucosidase alfa; Deficiency of alpha-glucosidase. Identifiers: Orphanet 365, MedGen C0017921, MONDO:0009290, OMIM 232300.

Allele frequency attached by ClinVar (database versions not stated): gnomAD 0.00001; TOPMed 0.00001; ExAC 0.00002; gnomAD exomes 0.00002.

Submissions (2):

Labcorp Genetics (formerly Invitae), Labcorp
Classification: Uncertain significance for Glycogen storage disease, type II. Last evaluated: 2022-08-16. Review status: criteria provided, single submitter. Criteria: Invitae Variant Classification Sherloc (09022015). Collection method: clinical testing. Allele origin: germline.
Comment: This variant is present in population databases (rs748327755, gnomAD 0.006%). This variant has not been reported in the literature in individuals affected with GAA-related conditions. ClinVar contains an entry for this variant (Variation ID: 972385). In summary, the available evidence is currently insufficient to determine the role of this variant in disease. Therefore, it has been classified as a Variant of Uncertain Significance.

Natera, Inc.
Classification: Uncertain significance for Glycogen storage disease type II. Last evaluated: 2020-08-16. Review status: no assertion criteria provided. Collection method: clinical testing. Allele origin: germline. Not counted in ClinVar's aggregate classification.

NM_000152.5(GAA):c.1755-3C>T

Gene: GAA (alpha glucosidase; plus strand). Cytogenetic location: 17q25.3.
Variant type: single nucleotide variant.
Coding change: c.1755-3C>T on transcript NM_000152.5 (MANE Select); 3 bases into the intron before coding-DNA position 1755, C replaced by T.
Molecular consequence: intron variant.
Genome position (GRCh38, 1-based): chr17:80,112,575, C>T. VCF-style: chr17-80112575-C-T. GRCh37 (hg19) VCF-style: chr17-78086374-C-T.
Other names: c.1755-3C>T (NM_001079803.3, NM_001079804.3).
Identifiers: ClinVar variation 972385 (VCV000972385.7), dbSNP rs748327755, ClinGen allele CA8815468.